The following is an entry in ClinVar:

ClinVar aggregate classification (germline): Uncertain significance (1 of 4 stars; one submission).

Conditions:
Hereditary cancer-predisposing syndrome. Also called: Neoplastic Syndromes, Hereditary; Tumor predisposition; Hereditary Cancer Syndrome; Hereditary neoplastic syndrome. Identifiers: Orphanet 140162, MedGen C0027672, MeSH D009386, MONDO:0015356.

Submission:

Ambry Genetics
Classification: Uncertain significance for Hereditary cancer-predisposing syndrome. Last evaluated: 2026-05-15. Review status: criteria provided, single submitter. Criteria: Ambry Variant Classification Scheme 2023. Collection method: clinical testing. Allele origin: germline.
Comment: The c.5316T>A variant (also known as p.G1772G), located in coding exon 39 of the POLE gene, results from a T to A substitution at nucleotide position 5316. This nucleotide substitution does not change the amino acid at codon 1772. This nucleotide position is poorly conserved in available vertebrate species. In silico splice site analysis predicts that this alteration will result in the creation or strengthening of a novel splice donor site. Based on the available evidence, the clinical significance of this variant remains unclear.

NM_006231.4(POLE):c.5316T>A (p.Gly1772=)

Gene: POLE (DNA polymerase epsilon, catalytic subunit; minus strand). Cytogenetic location: 12q24.33.
Variant type: single nucleotide variant.
Coding change: c.5316T>A on transcript NM_006231.4 (MANE Select); coding-DNA position 5316, T replaced by A.
Protein change: p.Gly1772=; no amino-acid change (glycine 1772 retained).
Molecular consequence: synonymous variant.
Genome position (GRCh38, 1-based): chr12:132,641,709, A>T on the plus strand (T>A on the coding strand, the complement: POLE is on the minus strand). VCF-style: chr12-132641709-A-T. GRCh37 (hg19) VCF-style: chr12-133218295-A-T.
Identifiers: ClinVar variation 4862311 (VCV004862311.1).